The following is an entry in ClinVar:

NM_003873.7(NRP1):c.537G>A (p.Val179=)

Genes: NRP1 (neuropilin 1; minus strand), LOC126860910 (P300/CBP strongly-dependent group 1 enhancer GRCh37_chr10:33552654-33553853; plus strand). Cytogenetic location: 10p11.22.
Variant type: single nucleotide variant.
Coding change: c.537G>A on transcript NM_003873.7 (MANE Select); coding-DNA position 537, G replaced by A.
Protein change: p.Val179=; no amino-acid change (valine 179 retained).
Molecular consequence: synonymous variant. On other transcripts: non-coding transcript variant (1).
Genome position (GRCh38, 1-based): chr10:33,263,767, C>T on the plus strand (G>A on the coding strand, the complement: NRP1 is on the minus strand). VCF-style: chr10-33263767-C-T. GRCh37 (hg19) VCF-style: chr10-33552695-C-T.
Other names: c.537G>A, p.Val179= (NM_001024628.3, NM_001024629.3, NM_001244972.2 and 2 more transcripts).
Identifiers: ClinVar variation 3059652 (VCV003059652.2), dbSNP rs2070296, ClinGen allele CA5466933.

ClinVar aggregate classification (germline): Benign (0 of 4 stars; one submission).

Conditions:
NRP1-related disorder. Also called: NRP1-related condition.

Allele frequency attached by ClinVar (database versions not stated): ESP Exome Variant Server 0.15831; ExAC 0.20370; gnomAD 0.21161; TOPMed 0.21810; 1000 Genomes Project 0.28415; 1000 Genomes Project 30x 0.28420.
gnomAD v4.1: 291,450 of 1,612,932 alleles (18%); highest among the groups gnomAD compares: East Asian, 44%; 28,913 homozygotes.

Submission:

PreventionGenetics, part of Exact Sciences
Classification: Benign for NRP1-related condition. Last evaluated: 2022-08-01. Review status: no assertion criteria provided. Collection method: clinical testing. Allele origin: germline.
Comment: This variant is classified as benign based on ACMG/AMP sequence variant interpretation guidelines (Richards et al. 2015 PMID: 25741868, with internal and published modifications).